The following is an entry in ClinVar:

ClinVar aggregate classification (germline): Likely benign (1 of 4 stars; one submission).

Conditions:
MGAM-related disorder. Also called: MGAM-related condition.

Submission:

PreventionGenetics, part of Exact Sciences
Classification: Likely benign for MGAM-related condition. Last evaluated: 2026-05-21. Review status: criteria provided, single submitter. Criteria: ACMG Guidelines, 2015. Collection method: clinical testing. Allele origin: germline.
Comment: This variant is classified as likely benign based on ACMG/AMP sequence variant interpretation guidelines (Richards et al. 2015 PMID: 25741868, with internal and published modifications).

NM_001365693.1(MGAM):c.4755T>C (p.Asn1585=)

Gene: MGAM (maltase-glucoamylase; plus strand). Cytogenetic location: 7q34.
Variant type: single nucleotide variant.
Coding change: c.4755T>C on transcript NM_001365693.1 (MANE Select); coding-DNA position 4755, T replaced by C.
Protein change: p.Asn1585=; no amino-acid change (asparagine 1585 retained).
Molecular consequence: synonymous variant. On other transcripts: intron variant (1).
Genome position (GRCh38, 1-based): chr7:142,065,816, T>C. VCF-style: chr7-142065816-T-C. GRCh37 (hg19) VCF-style: chr7-141765616-T-C.
Other names: c.4618+348T>C (NM_004668.3).
Identifiers: ClinVar variation 4979229 (VCV004979229.1).
Genomic context (GRCh38, chr7:142,065,816, plus strand): 5'-CGAGATGTGTGTTCGCTGGATGCAGCTGGGGGCCTTTTACCCCTTCTCAAGAAACCACAA[T>C]ACCATTGGGACCAGGGTAGGACAGTGGCTTCTACCTCCACTGTTTTATGTCACTTGAAAG-3'
Protein context (NP_001352622.1, residues 1575-1595): GAFYPFSRNH[Asn1585=]TIGTRRQDPV